The following is an entry in ClinVar:

NM_002485.4(NBN):c.[1030C>T];[842T>G]

Variant type: CompoundHeterozygote.
Identifiers: ClinVar variation 424713 (VCV000424713.3).

ClinVar aggregate classification (germline): Pathogenic (0 of 4 stars; one submission).

Conditions:
Microcephaly, normal intelligence and immunodeficiency (NBS). Also called: IMMUNODEFICIENCY, MICROCEPHALY, AND CHROMOSOMAL INSTABILITY; SEEMANOVA SYNDROME II; Nijmegen breakage syndrome; Microcephaly with normal intelligence immunodeficiency and lymphoreticular malignancies; Nonsyndromal microcephaly autosomal recessive with normal intelligence; Seemanova syndrome 2. Identifiers: Orphanet 647, MedGen C0398791, MONDO:0009623, OMIM 251260.

Submission:

Innovations Lab, Hyderabad, Tata Consultancy Services Ltd
Classification: Pathogenic for Microcephaly, normal intelligence and immunodeficiency. Review status: no assertion criteria provided. Collection method: research. Allele origin: paternal. Inheritance: Autosomal recessive inheritance. Affected: yes. Observed: 1 compound heterozygote.
Comment: Genomic analysis revealed deleterious variants in the NBN gene. Confirmatory testing included Sanger sequencing and immunoblotting and radiosensitivity testing of patient lymphocytes.

NM_002485.4:c.842T>G is reported to be of paternal origin, whereas NM_002485.4:c.1030C>T is of maternal origin (PubMed 25677497).

Literature cited by the submitters: PubMed 25677497.